The following is an entry in ClinVar:

ClinVar aggregate classification (germline): Benign/Likely benign. Review status: criteria provided, multiple submitters, no conflicts (2 of 4 stars). 2 submissions from 2 submitters: Benign (1); Likely benign (1). Last evaluated 2025-01-02.

Conditions:
Hereditary cancer-predisposing syndrome. Also called: Hereditary Cancer Syndrome; Neoplastic Syndromes, Hereditary; Tumor predisposition; Hereditary neoplastic syndrome. Identifiers: Orphanet 140162, MedGen C0027672, MeSH D009386, MONDO:0015356.
Lynch syndrome 5 (LYNCH5). Also called: Colorectal cancer, hereditary nonpolyposis, type 5; Hereditary non-polyposis colorectal cancer, type 5. Identifiers: Orphanet 144, MedGen C1833477, MONDO:0013710, OMIM 614350. Disease mechanism: loss of function.

gnomAD v4.1: 1 of 1,614,042 alleles (0.000062%); highest among the groups gnomAD compares: Non-Finnish European, 0.000085%; no homozygotes.

Submissions (2):

Myriad Genetics, Inc.
Classification: Benign for Lynch syndrome 5. Last evaluated: 2025-01-02. Review status: criteria provided, single submitter. Criteria: Myriad Autosomal Dominant, Autosomal Recessive and X-Linked Classification Criteria (2023). Collection method: clinical testing. Allele origin: unknown.
Comment: This variant is considered benign. This variant is a silent/synonymous amino acid change and it is not expected to impact splicing.

Ambry Genetics
Classification: Likely benign for Hereditary cancer-predisposing syndrome. Last evaluated: 2016-01-22. Review status: criteria provided, single submitter. Criteria: Ambry Variant Classification Scheme 2023. Collection method: clinical testing. Allele origin: germline.

NM_000179.3(MSH6):c.2731C>A (p.Arg911=)

Gene: MSH6 (mutS homolog 6; plus strand). Cytogenetic location: 2p16.3.
Variant type: single nucleotide variant.
Coding change: c.2731C>A on transcript NM_000179.3 (MANE Select); coding-DNA position 2731, C replaced by A.
Protein change: p.Arg911=; no amino-acid change (arginine 911 retained).
Molecular consequence: synonymous variant.
Genome position (GRCh38, 1-based): chr2:47,800,714, C>A. VCF-style: chr2-47800714-C-A. GRCh37 (hg19) VCF-style: chr2-48027853-C-A.
Other names: c.2341C>A, p.Arg781= (NM_001281492.2); c.1825C>A, p.Arg609= (NM_001281493.2, NM_001281494.2).
Identifiers: ClinVar variation 479885 (VCV000479885.6), dbSNP rs63751017, ClinGen allele CA426121590.